The following is an entry in ClinVar:

ClinVar aggregate classification (germline): Uncertain significance. Review status: criteria provided, multiple submitters, no conflicts (2 of 4 stars). 2 submissions from 2 submitters: Uncertain significance (2). Last evaluated 2023-04-04.

Conditions:
Wiskott-Aldrich syndrome 2 (WAS2). Also called: WIPF1 DEFICIENCY. Identifiers: Orphanet 906, MedGen C3281001, MONDO:0013779, OMIM 614493.
Inborn genetic diseases. Identifiers: MedGen C0950123, MeSH D030342.

Allele frequency attached by ClinVar (database versions not stated): TOPMed 0.00001.
gnomAD v4.1: 18 of 1,614,146 alleles (0.0011%); highest among the groups gnomAD compares: East Asian, 0.0067%; no homozygotes.

Submissions (2):

Ambry Genetics
Classification: Uncertain significance for Inborn genetic diseases. Last evaluated: 2023-04-04. Review status: criteria provided, single submitter. Criteria: Ambry Variant Classification Scheme 2023. Collection method: clinical testing. Allele origin: germline.

Labcorp Genetics (formerly Invitae), Labcorp
Classification: Uncertain significance for Wiskott-Aldrich syndrome 2. Last evaluated: 2022-02-23. Review status: criteria provided, single submitter. Criteria: Invitae Variant Classification Sherloc (09022015). Collection method: clinical testing. Allele origin: germline.
Comment: This sequence change replaces proline, which is neutral and non-polar, with leucine, which is neutral and non-polar, at codon 170 of the WIPF1 protein (p.Pro170Leu). This variant is present in population databases (rs560424291, gnomAD 0.01%). This variant has not been reported in the literature in individuals affected with WIPF1-related conditions. ClinVar contains an entry for this variant (Variation ID: 953138). Algorithms developed to predict the effect of missense changes on protein structure and function are either unavailable or do not agree on the potential impact of this missense change (SIFT: "Not Available"; PolyPhen-2: "Benign"; Align-GVGD: "Not Available"). In summary, the available evidence is currently insufficient to determine the role of this variant in disease. Therefore, it has been classified as a Variant of Uncertain Significance.

NM_001375834.1(WIPF1):c.509C>T (p.Pro170Leu)

Gene: WIPF1 (WAS/WASL interacting protein family member 1; minus strand). Cytogenetic location: 2q31.1.
Variant type: single nucleotide variant.
Coding change: c.509C>T on transcript NM_001375834.1 (MANE Select); coding-DNA position 509, C replaced by T.
Protein change: p.Pro170Leu; replaces proline 170 with leucine.
Molecular consequence: missense variant. On other transcripts: intron variant (1).
Genome position (GRCh38, 1-based): chr2:174,572,296, G>A on the plus strand (C>T on the coding strand, the complement: WIPF1 is on the minus strand). VCF-style: chr2-174572296-G-A. GRCh37 (hg19) VCF-style: chr2-175437024-G-A.
Other names: c.509C>T, p.Pro170Leu (NM_001077269.1, NM_001375832.1, NM_001375833.1 and 5 more transcripts); c.182-51C>T (NM_001375839.1); short protein forms P170L.
Identifiers: ClinVar variation 953138 (VCV000953138.8), dbSNP rs560424291, ClinGen allele CA1974114.